The following is an entry in ClinVar:

ClinVar aggregate classification (germline): Pathogenic (1 of 4 stars; one submission).

Conditions:
Duchenne muscular dystrophy (DMD). Also called: MUSCULAR DYSTROPHY, PSEUDOHYPERTROPHIC PROGRESSIVE, DUCHENNE TYPE; Duchenne Muscular Dystrophy (DMD). Identifiers: Orphanet 98896, MedGen C0013264, MONDO:0010679, OMIM 310200.

Submission:

Labcorp Genetics (formerly Invitae), Labcorp
Classification: Pathogenic for Duchenne muscular dystrophy. Last evaluated: 2022-10-14. Review status: criteria provided, single submitter. Criteria: Invitae Variant Classification Sherloc (09022015). Collection method: clinical testing. Allele origin: germline.
Comment: This variant is a gross deletion of the genomic region encompassing exon(s) 46-47 of the DMD gene. This deletion is out-of-frame, and is expected to create a premature termination codon and result in an absent or disrupted protein product. Loss-of-function variants in DMD are known to be pathogenic (PMID: 16770791, 25007885). A similar copy number variant has been observed in individual(s) with Duchenne muscular dystrophy (PMID: 9800909, 15723292, 18683213, 18752307, 20944443, 22090376, 24217213). For these reasons, this variant has been classified as Pathogenic.

Literature cited by the submitters: PubMed 16770791; PubMed 25007885; PubMed 9800909; PubMed 15723292; PubMed 18683213; PubMed 18752307; PubMed 20944443; PubMed 22090376; PubMed 24217213.

NC_000023.10:g.(?_31947693)_(31950364_?)del

Gene: DMD (dystrophin; minus strand). Cytogenetic location: Xp21.1.
Variant type: Deletion.
Identifiers: ClinVar variation 455820 (VCV000455820.3).